The following is an entry in ClinVar:

ClinVar aggregate classification (germline): Likely benign (1 of 4 stars; one submission).

Conditions:
NKX2-5-related disorder. Also called: NKX2-5-related condition.

Submission:

PreventionGenetics, part of Exact Sciences
Classification: Likely benign for NKX2-5-related condition. Last evaluated: 2025-03-17. Review status: criteria provided, single submitter. Criteria: ACMG Guidelines, 2015. Collection method: clinical testing. Allele origin: germline.
Comment: This variant is classified as likely benign based on ACMG/AMP sequence variant interpretation guidelines (Richards et al. 2015 PMID: 25741868, with internal and published modifications).

NC_000005.10:g.173245280A>C

Gene: NKX2-5 (NK2 homeobox 5; minus strand). Cytogenetic location: 5q35.1.
Variant type: single nucleotide variant.
Genome position: GRCh38 VCF-style: chr5-173245280-A-C. GRCh37 (hg19) VCF-style: chr5-172672283-A-C.
Identifiers: ClinVar variation 4988182 (VCV004988182.1).
Genomic context (GRCh38, chr5:173,245,280, plus strand): 5'-CGACCTCAGGTGATCGGCCCGCCTCGGCCTCCTAAAGTGCTGGGATTACAGGCGTGAGCC[A>C]TGGCGCCCGGCCTGATGTGCTTTAAATTCGCTAAAACGACACGGGTACACACAGGCGCCC-3'